The following is an entry in ClinVar:

NM_003743.5(NCOA1):c.104G>A (p.Arg35His)

Gene: NCOA1 (nuclear receptor coactivator 1; plus strand). Cytogenetic location: 2p23.3.
Variant type: single nucleotide variant.
Coding change: c.104G>A on transcript NM_003743.5 (MANE Select); coding-DNA position 104, G replaced by A.
Protein change: p.Arg35His; replaces arginine 35 with histidine.
Molecular consequence: missense variant.
Genome position (GRCh38, 1-based): chr2:24,665,763, G>A. VCF-style: chr2-24665763-G-A. GRCh37 (hg19) VCF-style: chr2-24888632-G-A.
Other names: c.104G>A, p.Arg35His (NM_001362950.1, NM_001362952.1, NM_001362954.1 and 3 more transcripts); short protein forms R35H.
Identifiers: ClinVar variation 3348949 (VCV003348949.1).

ClinVar aggregate classification (germline): Uncertain significance (0 of 4 stars; one submission).

Conditions:
NCOA1-related disorder. Also called: NCOA1-related condition.

gnomAD v4.1: 5 of 1,576,362 alleles (0.00032%); highest among the groups gnomAD compares: Non-Finnish European, 0.00043%; no homozygotes.

Submission:

PreventionGenetics, part of Exact Sciences
Classification: Uncertain significance for NCOA1-related condition. Last evaluated: 2024-07-10. Review status: no assertion criteria provided. Collection method: clinical testing. Allele origin: germline.
Comment: The NCOA1 c.104G>A variant is predicted to result in the amino acid substitution p.Arg35His. To our knowledge, this variant has not been reported in the literature or in a large population database, indicating this variant is rare. At this time, the clinical significance of this variant is uncertain due to the absence of conclusive functional and genetic evidence.